The following is an entry in ClinVar:

NM_005002.5(NDUFA9):c.335A>G (p.Asp112Gly)

Gene: NDUFA9 (NADH:ubiquinone oxidoreductase subunit A9; plus strand). Cytogenetic location: 12p13.32.
Variant type: single nucleotide variant.
Coding change: c.335A>G on transcript NM_005002.5 (MANE Select); coding-DNA position 335, A replaced by G.
Protein change: p.Asp112Gly; replaces aspartic acid 112 with glycine.
Molecular consequence: missense variant.
Genome position (GRCh38, 1-based): chr12:4,657,764, A>G. VCF-style: chr12-4657764-A-G. GRCh37 (hg19) VCF-style: chr12-4766930-A-G.
Other names: short protein forms D112G.
Identifiers: ClinVar variation 1187565 (VCV001187565.2), dbSNP rs2137464531, ClinGen allele CA383449759.

ClinVar aggregate classification (germline): Uncertain significance (1 of 4 stars; one submission).

Submission:

GeneDx
Classification: Uncertain significance. Last evaluated: 2021-05-11. Review status: criteria provided, single submitter. Criteria: GeneDx Variant Classification Process June 2021. Collection method: clinical testing. Allele origin: germline. Affected: yes.
Comment: Not observed in large population cohorts (Lek et al., 2016); In addition, in silico splice predictors suggest this variant may lead to abnormal gene splicing. In the absence of RNA/functional studies, the actual effect of this sequence change is unknown.; In silico analysis, which includes protein predictors and evolutionary conservation, supports a deleterious effect; Has not been previously published as pathogenic or benign to our knowledge